The following is an entry in ClinVar:

NM_005912.3(MC4R):c.690C>T (p.Pro230=)

Gene: MC4R (melanocortin 4 receptor; minus strand). Cytogenetic location: 18q21.32.
Variant type: single nucleotide variant.
Coding change: c.690C>T on transcript NM_005912.3 (MANE Select); coding-DNA position 690, C replaced by T.
Protein change: p.Pro230=; no amino-acid change (proline 230 retained).
Molecular consequence: synonymous variant.
Genome position (GRCh38, 1-based): chr18:60,371,660, G>A on the plus strand (C>T on the coding strand, the complement: MC4R is on the minus strand). VCF-style: chr18-60371660-G-A. GRCh37 (hg19) VCF-style: chr18-58038893-G-A.
Identifiers: ClinVar variation 3032245 (VCV003032245.2), dbSNP rs148026669, ClinGen allele CA8980866.

ClinVar aggregate classification (germline): Likely benign (0 of 4 stars; one submission).

Conditions:
MC4R-related disorder. Also called: MC4R-related condition.

Allele frequency attached by ClinVar (database versions not stated): ExAC 0.00002; ESP Exome Variant Server 0.00008; 1000 Genomes Project 30x 0.00016; 1000 Genomes Project 0.00020.
gnomAD v4.1: 16 of 1,614,142 alleles (0.00099%); highest among the groups gnomAD compares: African/African-American, 0.0067%; no homozygotes.

Submission:

PreventionGenetics, part of Exact Sciences
Classification: Likely benign for MC4R-related condition. Last evaluated: 2022-06-22. Review status: no assertion criteria provided. Collection method: clinical testing. Allele origin: germline.
Comment: This variant is classified as likely benign based on ACMG/AMP sequence variant interpretation guidelines (Richards et al. 2015 PMID: 25741868, with internal and published modifications).